The following is an entry in ClinVar:

NM_001080449.3(DNA2):c.1363A>C (p.Lys455Gln)

Gene: DNA2 (DNA replication helicase/nuclease 2; minus strand). Cytogenetic location: 10q21.3.
Variant type: single nucleotide variant.
Coding change: c.1363A>C on transcript NM_001080449.3 (MANE Select); coding-DNA position 1363, A replaced by C.
Protein change: p.Lys455Gln; replaces lysine 455 with glutamine.
Molecular consequence: missense variant. On other transcripts: non-coding transcript variant (1).
Genome position (GRCh38, 1-based): chr10:68,442,969, T>G on the plus strand (A>C on the coding strand, the complement: DNA2 is on the minus strand). VCF-style: chr10-68442969-T-G. GRCh37 (hg19) VCF-style: chr10-70202726-T-G.
Other names: short protein forms K455Q.
Identifiers: ClinVar variation 2800451 (VCV002800451.3), dbSNP rs941410157, ClinGen allele CA208211887.

ClinVar aggregate classification (germline): Uncertain significance (1 of 4 stars; one submission).

Allele frequency attached by ClinVar (database versions not stated): gnomAD exomes below 0.00001; gnomAD 0.00001; TOPMed 0.00002.
gnomAD v4.1: 2 of 1,612,692 alleles (0.00012%); highest among the groups gnomAD compares: Non-Finnish European, 0.00017%; no homozygotes.

Submission:

Labcorp Genetics (formerly Invitae), Labcorp
Classification: Uncertain significance. Last evaluated: 2023-11-07. Review status: criteria provided, single submitter. Criteria: Invitae Variant Classification Sherloc (09022015). Collection method: clinical testing. Allele origin: germline.
Comment: This sequence change replaces lysine, which is basic and polar, with glutamine, which is neutral and polar, at codon 455 of the DNA2 protein (p.Lys455Gln). This variant is present in population databases (no rsID available, gnomAD 0.002%). This variant has not been reported in the literature in individuals affected with DNA2-related conditions. Experimental studies and prediction algorithms are not available or were not evaluated, and the functional significance of this variant is currently unknown. In summary, the available evidence is currently insufficient to determine the role of this variant in disease. Therefore, it has been classified as a Variant of Uncertain Significance.